The following is an entry in ClinVar:

ClinVar aggregate classification (germline): Uncertain significance. Review status: criteria provided, multiple submitters, no conflicts (2 of 4 stars). 2 submissions from 2 submitters: Uncertain significance (2). Last evaluated 2024-10-28.

Conditions:
Neurodegeneration with brain iron accumulation 5 (NBIA5). Also called: STATIC ENCEPHALOPATHY OF CHILDHOOD WITH NEURODEGENERATION IN ADULTHOOD; Beta-propeller protein-associated neurodegeneration. Identifiers: Orphanet 329284, MedGen C3550973, MONDO:0010476, OMIM 300894.

Submissions (2):

Labcorp Genetics (formerly Invitae), Labcorp
Classification: Uncertain significance for Neurodegeneration with brain iron accumulation 5. Last evaluated: 2024-10-28. Review status: criteria provided, single submitter. Criteria: Invitae Variant Classification Sherloc (09022015). Collection method: clinical testing. Allele origin: germline.
Comment: This sequence change replaces leucine, which is neutral and non-polar, with serine, which is neutral and polar, at codon 65 of the WDR45 protein (p.Leu65Ser). This variant is not present in population databases (gnomAD no frequency). This variant has not been reported in the literature in individuals affected with WDR45-related conditions. ClinVar contains an entry for this variant (Variation ID: 1437643). Invitae Evidence Modeling of protein sequence and biophysical properties (such as structural, functional, and spatial information, amino acid conservation, physicochemical variation, residue mobility, and thermodynamic stability) indicates that this missense variant is not expected to disrupt WDR45 protein function with a negative predictive value of 80%. In summary, the available evidence is currently insufficient to determine the role of this variant in disease. Therefore, it has been classified as a Variant of Uncertain Significance.

Mayo Clinic Laboratories, Mayo Clinic
Classification: Uncertain significance. Last evaluated: 2023-12-18. Review status: criteria provided, single submitter. Criteria: ACMG Guidelines, 2015. Collection method: clinical testing. Allele origin: germline. Observed: 1 variant allele.
Comment: PM2_moderate

NM_001029896.2(WDR45):c.194T>C (p.Leu65Ser)

Genes: WDR45 (WD repeat domain 45; minus strand), LOC126863256 (BRD4-independent group 4 enhancer GRCh37_chrX:48934848-48936047; plus strand). Cytogenetic location: Xp11.23.
Variant type: single nucleotide variant.
Coding change: c.194T>C on transcript NM_001029896.2 (MANE Select); coding-DNA position 194, T replaced by C.
Protein change: p.Leu65Ser; replaces leucine 65 with serine.
Molecular consequence: missense variant.
Genome position (GRCh38, 1-based): chrX:49,077,684, A>G on the plus strand (T>C on the coding strand, the complement: WDR45 is on the minus strand). VCF-style: chrX-49077684-A-G. GRCh37 (hg19) VCF-style: chrX-48935343-A-G.
Other names: p.Leu65Ser; c.194T>C (NM_007075.3); c.194T>C, p.Leu65Ser (NM_007075.4); short protein forms L65S.
Identifiers: ClinVar variation 1437643 (VCV001437643.7), dbSNP rs2147817457, ClinGen allele CA412949127.